The following is an entry in ClinVar:

ClinVar aggregate classification (germline): Uncertain significance. Review status: criteria provided, multiple submitters, no conflicts (2 of 4 stars). 2 submissions from 2 submitters: Uncertain significance (2). Last evaluated 2025-07-24.

Conditions:
PCNT-related disorder. Also called: PCNT-related condition.

Submissions (2):

PreventionGenetics, part of Exact Sciences
Classification: Uncertain significance for PCNT-related condition. Last evaluated: 2025-07-24. Review status: criteria provided, single submitter. Criteria: ACMG Guidelines, 2015. Collection method: clinical testing. Allele origin: germline.
Comment: The PCNT c.764G>A variant is predicted to result in the amino acid substitution p.Ser255Asn. To our knowledge, this variant has not been reported in the literature. This variant is reported in 0.0% of alleles in individuals of African descent in gnomAD. At this time, the clinical significance of this variant is uncertain due to the absence of conclusive functional and genetic evidence.

GeneDx
Classification: Uncertain significance. Last evaluated: 2022-03-17. Review status: criteria provided, single submitter. Criteria: GeneDx Variant Classification Process June 2021. Collection method: clinical testing. Allele origin: germline. Affected: yes.
Comment: Not observed at significant frequency in large population cohorts (gnomAD); In silico analysis supports that this missense variant does not alter protein structure/function; Has not been previously published as pathogenic or benign to our knowledge

NM_006031.6(PCNT):c.764G>A (p.Ser255Asn)

Gene: PCNT (pericentrin; plus strand). Cytogenetic location: 21q22.3.
Variant type: single nucleotide variant.
Coding change: c.764G>A on transcript NM_006031.6 (MANE Select); coding-DNA position 764, G replaced by A.
Protein change: p.Ser255Asn; replaces serine 255 with asparagine.
Molecular consequence: missense variant.
Genome position (GRCh38, 1-based): chr21:46,346,786, G>A. VCF-style: chr21-46346786-G-A. GRCh37 (hg19) VCF-style: chr21-47766700-G-A.
Other names: c.410G>A, p.Ser137Asn (NM_001315529.2); short protein forms S137N, S255N.
Identifiers: ClinVar variation 1706181 (VCV001706181.3), dbSNP rs1185474301, ClinGen allele CA410552732.
Genomic context (GRCh38, chr21:46,346,786, plus strand): 5'-CCTTTTCTCCGCCGCAGGCCGTGCATGGCCTTGAGCTGGAGGCGCTGCGCCTGAGTCTGA[G>A]CAACATGCACACGGCGCAGCTGGAGCTGACACAGGCCAACCTCCAGAAGGAGAAGGAGAC-3'
Protein context (NP_006022.3, residues 245-265): LELEALRLSL[Ser255Asn]NMHTAQLELT